The following is an entry in ClinVar:

NM_004722.4(AP4M1):c.137C>T (p.Pro46Leu)

Gene: AP4M1 (adaptor related protein complex 4 subunit mu 1; plus strand). Cytogenetic location: 7q22.1.
Variant type: single nucleotide variant.
Coding change: c.137C>T on transcript NM_004722.4 (MANE Select); coding-DNA position 137, C replaced by T.
Protein change: p.Pro46Leu; replaces proline 46 with leucine.
Molecular consequence: missense variant.
Genome position (GRCh38, 1-based): chr7:100,101,958, C>T. VCF-style: chr7-100101958-C-T. GRCh37 (hg19) VCF-style: chr7-99699581-C-T.
Other names: c.137C>T, p.Pro46Leu (NM_001363671.2); short protein forms P46L.
Identifiers: ClinVar variation 947354 (VCV000947354.11), dbSNP rs141331558, ClinGen allele CA4374449.

ClinVar aggregate classification (germline): Uncertain significance. Review status: criteria provided, multiple submitters, no conflicts (2 of 4 stars). 4 submissions from 4 submitters: Uncertain significance (4). Last evaluated 2025-07-02.

Conditions:
Inborn genetic diseases. Identifiers: MedGen C0950123, MeSH D030342.
Hereditary spastic paraplegia 50 (SPG50). Also called: Spastic paraplegia 50, autosomal recessive. Identifiers: Orphanet 280763, MedGen C2752008, MONDO:0013048, OMIM 612936.

Allele frequency attached by ClinVar (database versions not stated): gnomAD exomes 0.00002 and 0.00007; ExAC 0.00006; gnomAD 0.00017 and 0.00021; ESP Exome Variant Server 0.00023; TOPMed 0.00024.

Submissions (4):

Ambry Genetics
Classification: Uncertain significance for Inborn genetic diseases. Last evaluated: 2025-07-02. Review status: criteria provided, single submitter. Criteria: Ambry Variant Classification Scheme 2023. Collection method: clinical testing. Allele origin: germline.

Labcorp Genetics (formerly Invitae), Labcorp
Classification: Uncertain significance for Hereditary spastic paraplegia 50. Last evaluated: 2022-08-15. Review status: criteria provided, single submitter. Criteria: Invitae Variant Classification Sherloc (09022015). Collection method: clinical testing. Allele origin: germline.
Comment: This sequence change replaces proline, which is neutral and non-polar, with leucine, which is neutral and non-polar, at codon 46 of the AP4M1 protein (p.Pro46Leu). This variant is present in population databases (rs141331558, gnomAD 0.06%). This variant has not been reported in the literature in individuals affected with AP4M1-related conditions. ClinVar contains an entry for this variant (Variation ID: 947354). Algorithms developed to predict the effect of missense changes on protein structure and function (SIFT, PolyPhen-2, Align-GVGD) all suggest that this variant is likely to be disruptive. In summary, the available evidence is currently insufficient to determine the role of this variant in disease. Therefore, it has been classified as a Variant of Uncertain Significance.

Blueprint Genetics
Classification: Uncertain significance. Last evaluated: 2022-04-12. Review status: criteria provided, single submitter. Criteria: ACMG Guidelines, 2015. Collection method: clinical testing. Allele origin: germline.

GeneDx
Classification: Uncertain significance. Last evaluated: 2019-06-24. Review status: criteria provided, single submitter. Criteria: GeneDx Variant Classification Process June 2021. Collection method: clinical testing. Allele origin: germline. Affected: yes.
Comment: In silico analysis, which includes protein predictors and evolutionary conservation, supports a deleterious effect; Has not been previously published as pathogenic or benign to our knowledge